The following is an entry in ClinVar:

NM_000292.3(PHKA2):c.347A>G (p.Tyr116Cys)

Gene: PHKA2 (phosphorylase kinase regulatory subunit alpha 2; minus strand). Cytogenetic location: Xp22.13.
Variant type: single nucleotide variant.
Coding change: c.347A>G on transcript NM_000292.3 (MANE Select); coding-DNA position 347, A replaced by G.
Protein change: p.Tyr116Cys; replaces tyrosine 116 with cysteine.
Molecular consequence: missense variant.
Genome position (GRCh38, 1-based): chrX:18,951,211, T>C on the plus strand (A>G on the coding strand, the complement: PHKA2 is on the minus strand). VCF-style: chrX-18951211-T-C. GRCh37 (hg19) VCF-style: chrX-18969329-T-C.
Other names: c.347A>G, p.Tyr116Cys (NM_001440800.1, NM_001440801.1, NM_001440802.1 and 3 more transcripts); short protein forms Y116C.
Identifiers: ClinVar variation 4539021 (VCV004539021.2).

ClinVar aggregate classification (germline): Conflicting classifications of pathogenicity. Review status: criteria provided, conflicting classifications (1 of 4 stars). 2 submissions from 2 submitters: Likely pathogenic (1); Uncertain significance (1). Last evaluated 2025-10-30.

Conditions:
Glycogen storage disease. Also called: glycogen storage disorder; Disorder of glycogen metabolism. Identifiers: Orphanet 79201, MedGen C0017919, MONDO:0002412.

gnomAD v4.1: 1 of 1,211,696 alleles (0.000083%); highest among the groups gnomAD compares: Non-Finnish European, 0.00011%; no homozygotes.

Submissions (2):

Genetics Laboratory, Great Ormond Street Hospital NHS Foundation Trust, North Thames Genomic Laboratory Hub
Classification: Likely pathogenic for Glycogen storage disease. Last evaluated: 2025-10-30. Review status: criteria provided, single submitter. Criteria: ACGS Best Practice Guidelines for Variant Classification in Rare Disease 2024 v1.2. Collection method: clinical testing. Allele origin: germline. Affected: yes.
Comment: PS4_supporting, PM2_moderate, PP3_supporting, PP4_moderate

Blueprint Genetics
Classification: Uncertain significance. Last evaluated: 2019-12-10. Review status: criteria provided, single submitter. Criteria: ACMG Guidelines, 2015. Collection method: clinical testing. Allele origin: germline.